The following is an entry in ClinVar:

NM_000254.3(MTR):c.639T>C (p.Phe213=)

Gene: MTR (5-methyltetrahydrofolate-homocysteine methyltransferase; plus strand). Cytogenetic location: 1q43.
Variant type: single nucleotide variant.
Coding change: c.639T>C on transcript NM_000254.3 (MANE Select); coding-DNA position 639, T replaced by C.
Protein change: p.Phe213=; no amino-acid change (phenylalanine 213 retained).
Molecular consequence: synonymous variant. On other transcripts: 5 prime UTR variant (1).
Genome position (GRCh38, 1-based): chr1:236,815,633, T>C. VCF-style: chr1-236815633-T-C. GRCh37 (hg19) VCF-style: chr1-236978933-T-C.
Other names: c.639T>C, p.Phe213= (NM_001291939.1); c.-470T>C (NM_001291940.2).
Identifiers: ClinVar variation 386430 (VCV000386430.12), dbSNP rs568734591, ClinGen allele CA1473808.

ClinVar aggregate classification (germline): Likely benign. Review status: criteria provided, multiple submitters, no conflicts (2 of 4 stars). 2 submissions from 2 submitters: Likely benign (2). Last evaluated 2025-09-02.

Conditions:
Methylcobalamin deficiency type cblG (HMAG). Also called: HOMOCYSTINURIA-MEGALOBLASTIC ANEMIA, cblG COMPLEMENTATION TYPE; HOMOCYSTINURIA-MEGALOBLASTIC ANEMIA, cblG TYPE; HOMOCYSTINURIA-MEGALOBLASTIC ANEMIA DUE TO DEFECT IN COBALAMIN METABOLISM, cblG COMPLEMENTATION TYPE; Functional methionine synthase deficiency type cblG. Identifiers: Orphanet 2170, Orphanet 622, MedGen C1855128, MONDO:0009609, OMIM 250940.

Allele frequency attached by ClinVar (database versions not stated): TOPMed below 0.00001; gnomAD 0.00003; gnomAD exomes 0.00006 and 0.00020; ExAC 0.00024; 1000 Genomes Project 30x 0.00078; 1000 Genomes Project 0.00080.
gnomAD v4.1: 95 of 1,614,020 alleles (0.0059%); highest among the groups gnomAD compares: South Asian, 0.099%; no homozygotes.

Submissions (2):

Labcorp Genetics (formerly Invitae), Labcorp
Classification: Likely benign for Methylcobalamin deficiency type cblG. Last evaluated: 2025-09-02. Review status: criteria provided, single submitter. Criteria: Invitae Variant Classification Sherloc (09022015). Collection method: clinical testing. Allele origin: germline.

GeneDx
Classification: Likely benign. Last evaluated: 2016-06-07. Review status: criteria provided, single submitter. Criteria: GeneDx Variant Classification (06012015). Collection method: clinical testing. Allele origin: germline. Affected: yes.
Comment: This variant is considered likely benign or benign based on one or more of the following criteria: it is a conservative change, it occurs at a poorly conserved position in the protein, it is predicted to be benign by multiple in silico algorithms, and/or has population frequency not consistent with disease.